The following is an entry in ClinVar:

ClinVar aggregate classification (germline): Uncertain significance (1 of 4 stars; one submission).

Submission:

Women's Health and Genetics/Laboratory Corporation of America, LabCorp
Classification: Uncertain significance. Last evaluated: 2024-12-30. Review status: criteria provided, single submitter. Criteria: LabCorp Variant Classification Summary - May 2015. Collection method: clinical testing. Allele origin: germline.
Comment: Variant summary: IDS c.1652G>C (p.X551SerextX17) changes the termination codon and is predicted to lead to an extended protein with additional amino acids added to the normal C-terminus. IDS c.1652G>C (p.X551SerextX17) causes a frameshift which results in an extension of the protein. The variant was absent in 182906 control chromosomes. The available data on variant occurrences in the general population are insufficient to allow any conclusion about variant significance. To our knowledge, no occurrence of c.1652G>C in individuals affected with Mucopolysaccharidosis Type II (Hunter Syndrome) and no experimental evidence demonstrating its impact on protein function have been reported. No submitters have cited clinical-significance assessments for this variant to ClinVar. Based on the evidence outlined above, the variant was classified as uncertain significance.

NM_000202.8(IDS):c.1652G>C (p.Ter551Ser)

Gene: IDS (iduronate 2-sulfatase; minus strand). Cytogenetic location: Xq28.
Variant type: single nucleotide variant.
Coding change: c.1652G>C on transcript NM_000202.8 (MANE Select); coding-DNA position 1652, G replaced by C.
Protein change: p.Ter551Ser.
Molecular consequence: stop lost.
Genome position (GRCh38, 1-based): chrX:149,482,747, C>G on the plus strand (G>C on the coding strand, the complement: IDS is on the minus strand). VCF-style: chrX-149482747-C-G. GRCh37 (hg19) VCF-style: chrX-148564278-C-G.
Other names: c.1382G>C, p.Ter461Ser (NM_001166550.4).
Identifiers: ClinVar variation 3768511 (VCV003768511.1).